The following is an entry in ClinVar:

ClinVar aggregate classification (germline): Likely pathogenic (1 of 4 stars; one submission).

Submission:

GeneDx
Classification: Likely pathogenic. Last evaluated: 2019-06-24. Review status: criteria provided, single submitter. Criteria: GeneDx Variant Classification Process June 2021. Collection method: clinical testing. Allele origin: germline. Affected: yes.
Comment: Canonical splice site variant predicted to result in an in-frame deletion of a critical region; several missense variants located in the lost exon were listed as DM in HGMD.; Not observed in large population cohorts (Lek et al., 2016); Has not been previously published as pathogenic or benign to our knowledge

NM_014208.3(DSPP):c.52-1G>C

Genes: DMP1-AS1 (DMP1 and DSPP antisense RNA 1; minus strand), DSPP (dentin sialophosphoprotein; plus strand). Cytogenetic location: 4q22.1.
Variant type: single nucleotide variant.
Coding change: c.52-1G>C on transcript NM_014208.3 (MANE Select); the canonical splice acceptor site of the intron before coding-DNA position 52, G replaced by C.
Molecular consequence: splice acceptor variant.
Genome position (GRCh38, 1-based): chr4:87,612,104, G>C. VCF-style: chr4-87612104-G-C. GRCh37 (hg19) VCF-style: chr4-88533256-G-C.
Other names: c.52-1G>C (LRG_1242t1).
Identifiers: ClinVar variation 384505 (VCV000384505.3), dbSNP rs1057521972, ClinGen allele CA16605124.
Genomic context (GRCh38, chr4:87,612,104, plus strand): 5'-CGCTCACACACATATTCACAAATAAGAACCTTTTCAATAGCCAGTATTTTCTACTTGGCA[G>C]GTTCCTCAAAGCAAACCACTGGAGAGACATGTCGAAAAATCCATGAATTTGCATCTCCTA-3'